The following is an entry in ClinVar:

NM_015474.4(SAMHD1):c.852+6T>C

Gene: SAMHD1 (SAM and HD domain containing deoxynucleoside triphosphate triphosphohydrolase 1; minus strand). Cytogenetic location: 20q11.23.
Variant type: single nucleotide variant.
Coding change: c.852+6T>C on transcript NM_015474.4 (MANE Select); 6 bases into the intron after coding-DNA position 852, T replaced by C.
Molecular consequence: intron variant.
Genome position (GRCh38, 1-based): chr20:36,919,358, A>G on the plus strand (T>C on the coding strand, the complement: SAMHD1 is on the minus strand). VCF-style: chr20-36919358-A-G. GRCh37 (hg19) VCF-style: chr20-35547761-A-G.
Other names: c.852+6T>C (NM_001363729.2, NM_001363733.2).
Identifiers: ClinVar variation 1386494 (VCV001386494.6), dbSNP rs1360565476, ClinGen allele CA635407619.

ClinVar aggregate classification (germline): Uncertain significance (1 of 4 stars; one submission).

Conditions:
Aicardi-Goutieres syndrome 5. Identifiers: Orphanet 51, MedGen C2749659, MONDO:0013059, OMIM 612952.

Allele frequency attached by ClinVar (database versions not stated): gnomAD exomes below 0.00001 and 0.00001; TOPMed below 0.00001; gnomAD 0.00001.
gnomAD v4.1: 10 of 1,613,054 alleles (0.00062%); highest among the groups gnomAD compares: African/African-American, 0.0013%; no homozygotes.

Submission:

Labcorp Genetics (formerly Invitae), Labcorp
Classification: Uncertain significance for Aicardi-Goutieres syndrome 5. Last evaluated: 2022-01-16. Review status: criteria provided, single submitter. Criteria: Invitae Variant Classification Sherloc (09022015). Collection method: clinical testing. Allele origin: germline.
Comment: In summary, the available evidence is currently insufficient to determine the role of this variant in disease. Therefore, it has been classified as a Variant of Uncertain Significance. Variants that disrupt the consensus splice site are a relatively common cause of aberrant splicing (PMID: 17576681, 9536098). Algorithms developed to predict the effect of sequence changes on RNA splicing suggest that this variant may disrupt the consensus splice site. This variant has not been reported in the literature in individuals affected with SAMHD1-related conditions. This variant is present in population databases (no rsID available, gnomAD 0.0009%). This sequence change falls in intron 7 of the SAMHD1 gene. It does not directly change the encoded amino acid sequence of the SAMHD1 protein. It affects a nucleotide within the consensus splice site.

Literature cited by the submitters: PubMed 17576681; PubMed 9536098.